The following is an entry in ClinVar:

ClinVar aggregate classification (germline): Uncertain significance (1 of 4 stars; one submission).

Submission:

Labcorp Genetics (formerly Invitae), Labcorp
Classification: Uncertain significance. Last evaluated: 2020-02-23. Review status: criteria provided, single submitter. Criteria: Invitae Variant Classification Sherloc (09022015). Collection method: clinical testing. Allele origin: germline.
Comment: Algorithms developed to predict the effect of missense changes on protein structure and function output the following: SIFT: "Tolerated"; PolyPhen-2: "Benign"; Align-GVGD: "Class C0". The glutamic acid amino acid residue is found in multiple mammalian species, suggesting that this missense change does not adversely affect protein function. These predictions have not been confirmed by published functional studies and their clinical significance is uncertain. In summary, the available evidence is currently insufficient to determine the role of this variant in disease. Therefore, it has been classified as a Variant of Uncertain Significance. This variant has not been reported in the literature in individuals with CEP250-related conditions. This sequence change replaces glycine with glutamic acid at codon 1306 of the CEP250 protein (p.Gly1306Glu). The glycine residue is moderately conserved and there is a moderate physicochemical difference between glycine and glutamic acid. This variant is not present in population databases (ExAC no frequency).

NM_007186.6(CEP250):c.3917G>A (p.Gly1306Glu)

Gene: CEP250 (centrosomal protein 250; plus strand). Cytogenetic location: 20q11.22.
Variant type: single nucleotide variant.
Coding change: c.3917G>A on transcript NM_007186.6 (MANE Select); coding-DNA position 3917, G replaced by A.
Protein change: p.Gly1306Glu; replaces glycine 1306 with glutamic acid.
Molecular consequence: missense variant.
Genome position (GRCh38, 1-based): chr20:35,501,863, G>A. VCF-style: chr20-35501863-G-A. GRCh37 (hg19) VCF-style: chr20-34089690-G-A.
Other names: c.2021G>A, p.Gly674Glu (NM_001318219.1); short protein forms G1306E, G674E.
Identifiers: ClinVar variation 942403 (VCV000942403.8), dbSNP rs2064014614, ClinGen allele CA408746482.